The following is an entry in ClinVar:

NM_000213.5(ITGB4):c.1614del (p.Glu537_Tyr538insTer)

Gene: ITGB4 (integrin subunit beta 4; plus strand). Cytogenetic location: 17q25.1.
Variant type: Deletion.
Coding change: c.1614del on transcript NM_000213.5 (MANE Select); coding-DNA position 1614, one base deleted (T; older notation c.1614delT).
Protein change: p.Glu537_Tyr538insTer.
Molecular consequence: nonsense. On other transcripts: frameshift variant (1).
Genome position (GRCh38, 1-based): chr17:75,733,649, T deleted. VCF-style (leftmost placement, unchanged base first): chr17-75733648-AT-A. GRCh37 (hg19) VCF-style: chr17-73729729-AT-A.
Other names: c.1614delT, p.Tyr538Terfs (NM_001005619.2); c.1614del, p.Glu537_Tyr538insTer (NM_001005731.3, NM_001321123.2).
Identifiers: ClinVar variation 2878836 (VCV002878836.4), dbSNP rs1417151403, ClinGen allele CA775101574.

ClinVar aggregate classification (germline): Pathogenic/Likely pathogenic. Review status: criteria provided, multiple submitters, no conflicts (2 of 4 stars). 2 submissions from 2 submitters: Pathogenic (1); Likely pathogenic (1). Last evaluated 2024-03-05.

Conditions:
Junctional epidermolysis bullosa with pyloric atresia. Also called: EPIDERMOLYSIS BULLOSA, JUNCTIONAL 5B, WITH PYLORIC ATRESIA; ITGB4-Related Epidermolysis Bullosa with Pyloric Atresia; ITGA6-Related Epidermolysis Bullosa with Pyloric Atresia; APLASIA CUTIS CONGENITA WITH GASTROINTESTINAL ATRESIA; CARMI SYNDROME; EB-PA-ACC. Identifiers: Orphanet 79403, MedGen C5676875, MONDO:0009183, OMIM 226730.
Epidermolysis bullosa, junctional 5A, intermediate. Also called: EPIDERMOLYSIS BULLOSA, JUNCTIONAL 5A, GENERALIZED INTERMEDIATE; EPIDERMOLYSIS BULLOSA, JUNCTIONAL 5A, NON-HERLITZ TYPE. Identifiers: MedGen C5676956, MONDO:0030768, OMIM 619816.

Allele frequency attached by ClinVar (database versions not stated): gnomAD exomes below 0.00001; TOPMed below 0.00001.

Submissions (2):

Fulgent Genetics
Classification: Likely pathogenic for Junctional epidermolysis bullosa with pyloric atresia; Epidermolysis bullosa, junctional 5A, intermediate. Last evaluated: 2024-03-05. Review status: criteria provided, single submitter. Criteria: ACMG Guidelines, 2015. Collection method: clinical testing. Allele origin: germline.

Labcorp Genetics (formerly Invitae), Labcorp
Classification: Pathogenic. Last evaluated: 2023-10-26. Review status: criteria provided, single submitter. Criteria: Invitae Variant Classification Sherloc (09022015). Collection method: clinical testing. Allele origin: germline.
Comment: This sequence change creates a premature translational stop signal (p.Tyr538*) in the ITGB4 gene. It is expected to result in an absent or disrupted protein product. Loss-of-function variants in ITGB4 are known to be pathogenic (PMID: 11328943, 16473856). This variant is not present in population databases (gnomAD no frequency). This variant has not been reported in the literature in individuals affected with ITGB4-related conditions. For these reasons, this variant has been classified as Pathogenic.

Literature cited by the submitters: PubMed 11328943 (cited by Labcorp Genetics (formerly Invitae), Labcorp); PubMed 16473856 (cited by Labcorp Genetics (formerly Invitae), Labcorp).